The following is an entry in ClinVar:

ClinVar aggregate classification (germline): Uncertain significance (1 of 4 stars; one submission).

Allele frequency attached by ClinVar (database versions not stated): gnomAD exomes below 0.00001; gnomAD 0.00002; TOPMed 0.00002.
gnomAD v4.1: 9 of 1,614,034 alleles (0.00056%); highest among the groups gnomAD compares: Admixed American, 0.0033%; no homozygotes.

Submission:

Labcorp Genetics (formerly Invitae), Labcorp
Classification: Uncertain significance. Last evaluated: 2023-09-15. Review status: criteria provided, single submitter. Criteria: Invitae Variant Classification Sherloc (09022015). Collection method: clinical testing. Allele origin: germline.
Comment: In summary, the available evidence is currently insufficient to determine the role of this variant in disease. Therefore, it has been classified as a Variant of Uncertain Significance. Algorithms developed to predict the effect of sequence changes on RNA splicing suggest that this variant may create or strengthen a splice site. This variant has not been reported in the literature in individuals affected with POLD2-related conditions. This variant is present in population databases (no rsID available, gnomAD 0.01%). This sequence change creates a premature translational stop signal (p.Arg389*) in the POLD2 gene. It is expected to result in an absent or disrupted protein product. However, the current clinical and genetic evidence is not sufficient to establish whether loss-of-function variants in POLD2 cause disease.

NM_006230.4(POLD2):c.1060C>T (p.Arg354Ter)

Gene: POLD2 (DNA polymerase delta 2, accessory subunit; minus strand). Cytogenetic location: 7p13.
Variant type: single nucleotide variant.
Coding change: c.1060C>T on transcript NM_006230.4 (MANE Select); coding-DNA position 1060, C replaced by T.
Protein change: p.Arg354Ter; replaces arginine 354 with a stop codon.
Molecular consequence: nonsense.
Genome position (GRCh38, 1-based): chr7:44,115,853, G>A on the plus strand (C>T on the coding strand, the complement: POLD2 is on the minus strand). VCF-style: chr7-44115853-G-A. GRCh37 (hg19) VCF-style: chr7-44155452-G-A.
Other names: c.1060C>T, p.Arg354Ter (NM_001127218.3, NM_001256879.2); short protein forms R354*.
Identifiers: ClinVar variation 2777779 (VCV002777779.3), dbSNP rs991519480, ClinGen allele CA157886095.